The following is an entry in ClinVar:

ClinVar aggregate classification (germline): Uncertain significance. Review status: criteria provided, multiple submitters, no conflicts (2 of 4 stars). 8 submissions from 8 submitters: Uncertain significance (6). 2 of the submissions do not count toward it. Last evaluated 2026-07-15.

Conditions:
Epidermolysis bullosa simplex 5B, with muscular dystrophy (EBS5B). Also called: Epidermolysis bullosa simplex with muscular dystrophy; EPIDERMOLYSIS BULLOSA SIMPLEX AND LIMB-GIRDLE MUSCULAR DYSTROPHY. Identifiers: Orphanet 257, MedGen C2931072, MONDO:0009181, OMIM 226670.
Autosomal recessive limb-girdle muscular dystrophy type 2Q (LGMDR17). Also called: MUSCULAR DYSTROPHY, LIMB-GIRDLE, AUTOSOMAL RECESSIVE 17. Identifiers: Orphanet 254361, MedGen C3150989, MONDO:0013390, OMIM 613723.
Epidermolysis bullosa simplex 5C, with pyloric atresia (EBS5C). Also called: PLEC-Related Epidermolysis Bullosa with Pyloric Atresia; PLEC1-Related Epidermolysis Bullosa with Pyloric Atresia; Epidermolysis bullosa simplex with pyloric atresia. Identifiers: Orphanet 158684, MedGen C2677349, MONDO:0012807, OMIM 612138.
Epidermolysis bullosa simplex, Ogna type (EBS5A). Also called: Pidermolysis bullosa simplex 5A, Ogna type; EPIDERMOLYSIS BULLOSA SIMPLEX 5A, OGNA TYPE. Identifiers: Orphanet 79401, MedGen C0432317, MONDO:0007555, OMIM 131950.
Epidermolysis bullosa simplex with nail dystrophy (EBS5D). Identifiers: MedGen C4225309, MONDO:0014661, OMIM 616487.
Inborn genetic diseases. Identifiers: MedGen C0950123, MeSH D030342.
PLEC-related disorder. Also called: PLEC-related condition; PLEC-related disorders.

Allele frequency attached by ClinVar (database versions not stated): gnomAD 0.00006 and 0.00007; gnomAD exomes 0.00008; TOPMed 0.00008; ExAC 0.00011.
gnomAD v4.1: 154 of 1,549,096 alleles (0.0099%); highest among the groups gnomAD compares: Non-Finnish European, 0.012%; no homozygotes.

Submissions (8):

PreventionGenetics, part of Exact Sciences
Classification: Uncertain significance for PLEC-related condition. Last evaluated: 2026-07-15. Review status: criteria provided, single submitter. Criteria: ACMG Guidelines, 2015. Collection method: clinical testing. Allele origin: germline.
Comment: The PLEC c.4156C>T variant is predicted to result in the amino acid substitution p.Arg1386Cys. To our knowledge, this variant has not been reported in the literature. This variant is reported in 0.020% of alleles in individuals of European (Finnish) descent in gnomAD. At this time, the clinical significance of this variant is uncertain due to the absence of conclusive functional and genetic evidence.

Labcorp Genetics (formerly Invitae), Labcorp
Classification: Uncertain significance for Autosomal recessive limb-girdle muscular dystrophy type 2Q; Epidermolysis bullosa simplex, Ogna type; Epidermolysis bullosa simplex with nail dystrophy; Epidermolysis bullosa simplex 5C, with pyloric atresia; Epidermolysis bullosa simplex 5B, with muscular dystrophy. Last evaluated: 2025-11-27. Review status: criteria provided, single submitter. Criteria: Invitae Variant Classification Sherloc (09022015). Collection method: clinical testing. Allele origin: germline.
Comment: This sequence change replaces arginine, which is basic and polar, with cysteine, which is neutral and slightly polar, at codon 1386 of the PLEC protein (p.Arg1386Cys). This variant is present in population databases (rs541323979, gnomAD 0.02%). This variant has not been reported in the literature in individuals affected with PLEC-related conditions. ClinVar contains an entry for this variant (Variation ID: 597403). Invitae Evidence Modeling of protein sequence and biophysical properties (such as structural, functional, and spatial information, amino acid conservation, physicochemical variation, residue mobility, and thermodynamic stability) indicates that this missense variant is not expected to disrupt PLEC protein function with a negative predictive value of 80%. In summary, the available evidence is currently insufficient to determine the role of this variant in disease. Therefore, it has been classified as a Variant of Uncertain Significance.

Ambry Genetics
Classification: Uncertain significance for Inborn genetic diseases. Last evaluated: 2025-01-17. Review status: criteria provided, single submitter. Criteria: Ambry Variant Classification Scheme 2023. Collection method: clinical testing. Allele origin: germline.

Revvity Omics, Revvity
Classification: Uncertain significance. Last evaluated: 2024-11-05. Review status: criteria provided, single submitter. Criteria: ACMG Guidelines, 2015. Collection method: clinical testing. Allele origin: germline.

Athena Diagnostics
Classification: Uncertain significance. Last evaluated: 2019-01-14. Review status: criteria provided, single submitter. Criteria: Athena Diagnostics Criteria. Collection method: clinical testing. Allele origin: germline.

Eurofins Ntd Llc (ga)
Classification: Uncertain significance. Last evaluated: 2018-06-05. Review status: criteria provided, single submitter. Criteria: EGL ClinVar v180209 classification definitions. Collection method: clinical testing. Allele origin: germline. Observed: 1 variant allele, 1 heterozygote.

Genome Diagnostics Laboratory, Amsterdam University Medical Center
Classification: Uncertain significance. Review status: no assertion criteria provided. Collection method: clinical testing. Allele origin: germline. Affected: yes. Study: VKGL Data-share Consensus. Not counted in ClinVar's aggregate classification.

Joint Genome Diagnostic Labs from Nijmegen and Maastricht, Radboudumc and MUMC+
Classification: Uncertain significance. Review status: no assertion criteria provided. Collection method: clinical testing. Allele origin: germline. Affected: yes. Study: VKGL Data-share Consensus. Not counted in ClinVar's aggregate classification.

NM_201384.3(PLEC):c.4075C>T (p.Arg1359Cys)

Gene: PLEC (plectin; minus strand). Cytogenetic location: 8q24.3.
Variant type: single nucleotide variant.
Coding change: c.4075C>T on transcript NM_201384.3 (MANE Select); coding-DNA position 4075, C replaced by T.
Protein change: p.Arg1359Cys; replaces arginine 1359 with cysteine.
Molecular consequence: missense variant.
Genome position (GRCh38, 1-based): chr8:143,925,854, G>A on the plus strand (C>T on the coding strand, the complement: PLEC is on the minus strand). VCF-style: chr8-143925854-G-A. GRCh37 (hg19) VCF-style: chr8-145000022-G-A.
Other names: c.4156C>T, p.Arg1386Cys (NM_000445.5); c.4033C>T, p.Arg1345Cys (NM_201378.4); c.4009C>T, p.Arg1337Cys (NM_201379.3); c.4486C>T, p.Arg1496Cys (NM_201380.4); c.3979C>T, p.Arg1327Cys (NM_201381.3); c.4075C>T, p.Arg1359Cys (NM_201382.4); c.4087C>T, p.Arg1363Cys (NM_201383.3); short protein forms R1337C, R1345C, R1496C, R1327C, R1359C, R1363C, R1386C.
Identifiers: ClinVar variation 597403 (VCV000597403.17), dbSNP rs541323979, ClinGen allele CA4926776.